The following is an entry in ClinVar:

ClinVar aggregate classification (germline): Uncertain significance. Review status: criteria provided, multiple submitters, no conflicts (2 of 4 stars). 2 submissions from 2 submitters: Uncertain significance (2). Last evaluated 2025-02-24.

Conditions:
Hereditary cancer-predisposing syndrome. Also called: Hereditary Cancer Syndrome; Neoplastic Syndromes, Hereditary; Tumor predisposition; Hereditary neoplastic syndrome. Identifiers: Orphanet 140162, MedGen C0027672, MeSH D009386, MONDO:0015356.

Submissions (2):

Ambry Genetics
Classification: Uncertain significance for Hereditary cancer-predisposing syndrome. Last evaluated: 2025-02-24. Review status: criteria provided, single submitter. Criteria: Ambry Variant Classification Scheme 2023. Collection method: clinical testing. Allele origin: germline.
Comment: The c.170_184del15 variant (also known as p.P57_A61del) is located in coding exon 1 of the MSH6 gene. This variant results from an in-frame CCAGGCCCTTGGCGC deletion at nucleotide positions 170 to 184. This results in the in-frame deletion of 5 residues (PRPLA) between codons 57 and 61. This alteration was seen in 1/150 unselected patients with recurrent or metastatic prostate cancer (Isaacsson Velho P et al. Prostate 2018 04;78:401-407). This amino acid region is not well conserved in available vertebrate species. In addition, this alteration is predicted to be neutral by in silico analysis (Choi Y et al. PLoS ONE. 2012; 7(10):e46688). Based on the available evidence, the clinical significance of this variant remains unclear.

Color Diagnostics, LLC DBA Color Health
Classification: Uncertain significance for Hereditary cancer-predisposing syndrome. Last evaluated: 2018-10-07. Review status: criteria provided, single submitter. Criteria: ACMG Guidelines, 2015. Collection method: clinical testing. Allele origin: germline.

Literature cited by the submitters: PubMed 29368341 (cited by Ambry Genetics).

NM_000179.3(MSH6):c.170_184del (p.Pro57_Ala61del)

Gene: MSH6 (mutS homolog 6; plus strand). Cytogenetic location: 2p16.3.
Variant type: Deletion.
Coding change: c.170_184del on transcript NM_000179.3 (MANE Select); coding-DNA positions 170 to 184, 15 bases deleted (CCAGGCCCTTGGCGC).
Protein change: p.Pro57_Ala61del.
Molecular consequence: inframe deletion. On other transcripts: 5 prime UTR variant (1).
Genome position (GRCh38, 1-based): chr2:47,783,403-47,783,417, CCAGGCCCTTGGCGC deleted; deleting any 15 consecutive bases within chr2:47,783,401-47,783,417 gives the same sequence; the c. name uses the placement nearest the transcript's 3' end. VCF-style (leftmost placement, unchanged base first): chr2-47783400-GGCCCAGGCCCTTGGC-G. GRCh37 (hg19) VCF-style: chr2-48010539-GGCCCAGGCCCTTGGC-G.
Other names: c.170_184delCCAGGCCCTTGGCGC (NM_000179.2); c.170_184del, p.Pro57_Ala61del (NM_001281492.2); c.-567_-553del (NM_001281493.2).
Identifiers: ClinVar variation 489969 (VCV000489969.8), dbSNP rs1553408302, ClinGen allele CA658683195.